The following is an entry in ClinVar:

ClinVar aggregate classification (germline): Uncertain significance (1 of 4 stars; one submission).

Allele frequency attached by ClinVar (database versions not stated): gnomAD exomes below 0.00001; TOPMed below 0.00001.
gnomAD v4.1: 5 of 1,588,372 alleles (0.00031%); highest among the groups gnomAD compares: Non-Finnish European, 0.00043%; no homozygotes.

Submission:

Labcorp Genetics (formerly Invitae), Labcorp
Classification: Uncertain significance. Last evaluated: 2022-03-04. Review status: criteria provided, single submitter. Criteria: Invitae Variant Classification Sherloc (09022015). Collection method: clinical testing. Allele origin: germline.
Comment: In summary, the available evidence is currently insufficient to determine the role of this variant in disease. Therefore, it has been classified as a Variant of Uncertain Significance. Algorithms developed to predict the effect of missense changes on protein structure and function are either unavailable or do not agree on the potential impact of this missense change (SIFT: "Deleterious"; PolyPhen-2: "Not Available"; Align-GVGD: "Class C0"). This variant has not been reported in the literature in individuals affected with DSCAML1-related conditions. The frequency data for this variant in the population databases is considered unreliable, as metrics indicate poor data quality at this position in the gnomAD database. This sequence change replaces arginine, which is basic and polar, with tryptophan, which is neutral and slightly polar, at codon 38 of the DSCAML1 protein (p.Arg38Trp).

NM_020693.4(DSCAML1):c.-69C>T

Gene: DSCAML1 (DS cell adhesion molecule like 1; minus strand). Cytogenetic location: 11q23.3.
Variant type: single nucleotide variant.
Coding change: c.-69C>T on transcript NM_020693.4 (MANE Select); 69 bases upstream of the start codon, C replaced by T.
Molecular consequence: 5 prime UTR variant. On other transcripts: intron variant (1).
Genome position (GRCh38, 1-based): chr11:117,797,148, G>A on the plus strand (C>T on the coding strand, the complement: DSCAML1 is on the minus strand). VCF-style: chr11-117797148-G-A. GRCh37 (hg19) VCF-style: chr11-117667863-G-A.
Other names: c.-69C>T (NM_001367904.1); c.-362-16338C>T (NM_001367905.1).
Identifiers: ClinVar variation 1945258 (VCV001945258.5), dbSNP rs1361324595, ClinGen allele CA382762356.